The following is an entry in ClinVar:

NM_000052.7(ATP7A):c.1639C>T (p.Arg547Ter)

Gene: ATP7A (ATPase copper transporting alpha; plus strand). Cytogenetic location: Xq21.1.
Variant type: single nucleotide variant.
Coding change: c.1639C>T on transcript NM_000052.7 (MANE Select); coding-DNA position 1639, C replaced by T.
Protein change: p.Arg547Ter; replaces arginine 547 with a stop codon.
Molecular consequence: nonsense.
Genome position (GRCh38, 1-based): chrX:78,003,168, C>T. VCF-style: chrX-78003168-C-T. GRCh37 (hg19) VCF-style: chrX-77258665-C-T.
Other names: c.1639C>T, p.Arg547Ter (NM_001282224.2); short protein forms R547*.
Identifiers: ClinVar variation 210395 (VCV000210395.20), dbSNP rs797045332, ClinGen allele CA277370.

ClinVar aggregate classification (germline): Pathogenic. Review status: criteria provided, multiple submitters, no conflicts (2 of 4 stars). 8 submissions from 8 submitters: Pathogenic (6). 2 of the submissions do not count toward it. Last evaluated 2025-10-22.

Conditions:
X-linked distal spinal muscular atrophy type 3. Also called: ATP7A-Related Distal Motor Neuropathy; SPINAL MUSCULAR ATROPHY, DISTAL, X-LINKED RECESSIVE; NEURONOPATHY, DISTAL HEREDITARY MOTOR, X-LINKED; NEUROPATHY, DISTAL HEREDITARY MOTOR, X-LINKED. Identifiers: Orphanet 139557, MedGen C1845359, MONDO:0010338, OMIM 300489.
Cutis laxa, X-linked (OHS). Also called: EDS IX; Occipital horn syndrome. Identifiers: Orphanet 198, MedGen C0268353, MONDO:0010572, OMIM 304150.
Menkes kinky-hair syndrome (MNK). Also called: Copper transport disease; Menkes Disease; Classic Menkes Disease. Identifiers: Orphanet 565, MedGen C0022716, MONDO:0010651, OMIM 309400.
ATP7A-related disorder. Also called: ATP7A-related condition.

Submissions (8):

3billion
Classification: Pathogenic for ATP7A-related disorder. Last evaluated: 2025-10-22. Review status: criteria provided, single submitter. Criteria: ACMG Guidelines, 2015. Collection method: clinical testing. Allele origin: germline. Affected: yes.
Comment: The variant is not observed in the gnomAD v4.1.0 dataset. Predicted Consequence/Location: Stop-gained (nonsense): predicted to result in a loss or disruption of normal protein function through nonsense-mediated decay (NMD) or protein truncation. Multiple pathogenic variants are reported downstream of the variant. The variant has been reported at least twice as pathogenic with clinical assertions and evidence for the classification (ClinVar ID: VCV000210395 /PMID: 23281160). Therefore, this variant is classified as Pathogenic according to the recommendation of ACMG/AMP guideline.

Clinical Genomics Laboratory, Washington University in St. Louis
Classification: Pathogenic for Menkes kinky-hair syndrome. Last evaluated: 2025-06-06. Review status: criteria provided, single submitter. Criteria: ACMG Guidelines, 2015. Collection method: clinical testing. Allele origin: germline. Affected: yes.
Comment: The ATP7A c.1639C>T (p.Arg547*) variant has been reported in at least three individuals with Menkes disease (Kinebuchi M et al,. PMID: 27629586; Møller LB and Horn N et al., PMID: 21876651; Stevens KE et al., PMID: 32293788). This variant is absent from the general population (gnomAD v4.1.0), indicating it is not a common variant. This variant causes a premature termination codon, which is predicted to lead to nonsense mediated decay. This variant has been reported in the ClinVar database as a germline pathogenic variant by three submitters. Based on available information and the ACMG/AMP guidelines for variant interpretation (Richards S et al., PMID: 25741868), this variant is classified as pathogenic.

Labcorp Genetics (formerly Invitae), Labcorp
Classification: Pathogenic for X-linked distal spinal muscular atrophy type 3; Cutis laxa, X-linked; Menkes kinky-hair syndrome. Last evaluated: 2025-03-04. Review status: criteria provided, single submitter. Criteria: Invitae Variant Classification Sherloc (09022015). Collection method: clinical testing. Allele origin: germline.
Comment: This sequence change creates a premature translational stop signal (p.Arg547*) in the ATP7A gene. It is expected to result in an absent or disrupted protein product. Loss-of-function variants in ATP7A are known to be pathogenic (PMID: 11241493, 20652413). This variant is not present in population databases (gnomAD no frequency). This premature translational stop signal has been observed in individual(s) with Menkes disease (PMID: 32293788). ClinVar contains an entry for this variant (Variation ID: 210395). For these reasons, this variant has been classified as Pathogenic.

Centre for Inherited Metabolic Diseases, Karolinska University Hospital
Classification: Pathogenic for Menkes kinky-hair syndrome. Last evaluated: 2021-04-13. Review status: criteria provided, single submitter. Criteria: ACMG Guidelines, 2015. Collection method: clinical testing. Allele origin: de novo. Inheritance: X-linked inheritance. Affected: yes. Observed: 1 compound heterozygote.

Genetic Services Laboratory, University of Chicago
Classification: Pathogenic for Menkes disease. Last evaluated: 2013-02-08. Review status: criteria provided, single submitter. Criteria: ACMG Guidelines, 2007. Collection method: clinical testing. Allele origin: germline. Affected: yes.

Juno Genomics, Hangzhou Juno Genomics, Inc
Classification: Pathogenic for X-linked distal spinal muscular atrophy type 3; Menkes kinky-hair syndrome; Cutis laxa, X-linked. Review status: criteria provided, single submitter. Criteria: ACMG Guidelines, 2015. Collection method: clinical testing. Allele origin: germline.
Comment: Absent from controls (or at extremely low frequency if recessive) in Genome Aggregation Database.;Null variant in a gene where loss of function (LOF) is a known mechanism of disease.;The prevalence of the variant in affected individuals is significantly increased compared to the prevalence in controls.

Natera, Inc.
Classification: Pathogenic for Distal spinal muscular atrophy, X-linked 3; Cutis laxa, X-linked; Menkes kinky-hair syndrome. Last evaluated: 2020-09-16. Review status: no assertion criteria provided. Collection method: clinical testing. Allele origin: germline. Not counted in ClinVar's aggregate classification.

Inherited Neuropathy Consortium Ii, University Of Miami
Classification: Uncertain significance for Menkes kinky-hair syndrome. Last evaluated: 2016-01-06. Review status: no assertion criteria provided. Collection method: literature only. Allele origin: germline. Affected: yes. Not counted in ClinVar's aggregate classification.

Literature cited by the submitters: PubMed 23281160 (cited by 3billion); PubMed 11241493 (cited by Labcorp Genetics (formerly Invitae), Labcorp); PubMed 20652413 (cited by Labcorp Genetics (formerly Invitae), Labcorp); PubMed 32293788 (cited by Labcorp Genetics (formerly Invitae), Labcorp); PubMed 23217327 (cited by Inherited Neuropathy Consortium Ii, University Of Miami).